The following is an entry in ClinVar:

ClinVar aggregate classification (germline): Uncertain significance. Review status: criteria provided, multiple submitters, no conflicts (2 of 4 stars). 2 submissions from 2 submitters: Uncertain significance (2). Last evaluated 2025-06-01.

Conditions:
Arrhythmogenic right ventricular dysplasia 11. Also called: Arrhythmogenic Right Ventricular Dysplasia/Cardiomyopathy11; ARRHYTHMOGENIC RIGHT VENTRICULAR DYSPLASIA, FAMILIAL, 11; Arrhythmogenic right ventricular dysplasia 11 with mild palmoplantar keratoderma and woolly hair. Identifiers: MedGen C1864850, MONDO:0012506, OMIM 610476.
Arrhythmogenic right ventricular cardiomyopathy (ARVD). Also called: Arrhythmogenic cardiomyopathy; Cardiomyopathy, ARVC; Arrhythmogenic right ventricular dysplasia; Arrhythmogenic Right Ventricular Cardiomyopathy (ARVC). Identifiers: Orphanet 247, MedGen C0349788, MeSH D019571, MONDO:0016587. Disease mechanism: loss of function. Inheritance: Various modes of inheritance.

Submissions (2):

Labcorp Genetics (formerly Invitae), Labcorp
Classification: Uncertain significance for Arrhythmogenic right ventricular dysplasia 11. Last evaluated: 2025-06-01. Review status: criteria provided, single submitter. Criteria: Invitae Variant Classification Sherloc (09022015). Collection method: clinical testing. Allele origin: germline.
Comment: This sequence change falls in intron 14 of the DSC2 gene. It does not directly change the encoded amino acid sequence of the DSC2 protein. It affects a nucleotide within the consensus splice site. This variant is not present in population databases (gnomAD no frequency). This variant has been observed in individual(s) with arrhythmogenic cardiomyopathy (PMID: 35819174). ClinVar contains an entry for this variant (Variation ID: 1693184). Variants that disrupt the consensus splice site are a relatively common cause of aberrant splicing (PMID: 17576681, 9536098). Algorithms developed to predict the effect of sequence changes on RNA splicing suggest that this variant is not likely to affect RNA splicing. In summary, the available evidence is currently insufficient to determine the role of this variant in disease. Therefore, it has been classified as a Variant of Uncertain Significance.

Molecular Genetics Laboratory - Cardiogenetics, CHU de Nantes
Classification: Uncertain significance for Arrhythmogenic right ventricular cardiomyopathy. Last evaluated: 2022-06-01. Review status: criteria provided, single submitter. Criteria: ACMG Guidelines, 2015. Collection method: curation. Allele origin: germline. Affected: yes.

Literature cited by the submitters: PubMed 35819174 (cited by Labcorp Genetics (formerly Invitae), Labcorp); PubMed 17576681 (cited by Labcorp Genetics (formerly Invitae), Labcorp); PubMed 9536098 (cited by Labcorp Genetics (formerly Invitae), Labcorp).

NM_024422.6(DSC2):c.2251-3C>T

Gene: DSC2 (desmocollin 2; minus strand). Cytogenetic location: 18q12.1.
Variant type: single nucleotide variant.
Coding change: c.2251-3C>T on transcript NM_024422.6 (MANE Select); 3 bases into the intron before coding-DNA position 2251, C replaced by T.
Molecular consequence: intron variant.
Genome position (GRCh38, 1-based): chr18:31,069,154, G>A on the plus strand (C>T on the coding strand, the complement: DSC2 is on the minus strand). VCF-style: chr18-31069154-G-A. GRCh37 (hg19) VCF-style: chr18-28649120-G-A.
Other names: c.2251-3C>T (NM_004949.5).
Identifiers: ClinVar variation 1693184 (VCV001693184.2), dbSNP rs2144784605, ClinGen allele CA2573155203.